The following is an entry in ClinVar:

ClinVar aggregate classification (germline): Likely pathogenic (1 of 4 stars; one submission).

Conditions:
Hereditary breast ovarian cancer syndrome. Also called: Hereditary breast and/or ovarian cancer syndrome; Hereditary breast and ovarian cancer syndrome; Hereditary breast and ovarian cancer; Breast and ovarian cancer; Hereditary breast and ovarian cancer syndrome (HBOC); BRCA1- and BRCA2-Associated Hereditary Breast and Ovarian Cancer. Identifiers: Orphanet 145, MedGen C0677776, MeSH D061325, MONDO:0003582. Disease mechanism: loss of function.

Submission:

GeneID Lab - Advanced Molecular Diagnostics
Classification: Likely pathogenic for Hereditary breast ovarian cancer syndrome. Last evaluated: 2018-08-11. Review status: criteria provided, single submitter. Criteria: ACMG Guidelines, 2015. Collection method: clinical testing. Allele origin: germline. Affected: yes. Observed: 1 variant allele.
Comment: This variant results in an amino acid alteration, replacing a proline (P) with a leucine (L) at codon 2505 of the protein and creating a premature stop signal in the new reading frame, designated as p.P2505Lfs*35. The insertion is predicted to result in a non-functional BRCA2 protein, either through protein truncation or nonsense-mediated mRNA decay. This variant is not present in the gnomAD exomes database. Based on these findings and the limited literature regarding this variant we consider it “likely pathogenic”.

NM_000059.4(BRCA2):c.7506_7507insTCTT (p.Val2503fs)

Gene: BRCA2 (BRCA2 DNA repair associated; plus strand). Cytogenetic location: 13q13.1.
Variant type: Insertion.
Coding change: c.7506_7507insTCTT on transcript NM_000059.4 (MANE Select); coding-DNA positions 7506 to 7507, TCTT inserted.
Protein change: p.Val2503fs; shifts the reading frame from valine 2503.
Molecular consequence: frameshift variant.
Genome position: GRCh38 VCF-style: chr13-32356498-C-CTCTT. GRCh37 (hg19) VCF-style: chr13-32930635-C-CTCTT.
Other names: short protein forms V2503fs.
Identifiers: ClinVar variation 1319966 (VCV001319966.2), dbSNP rs2137562363, ClinGen allele CA2573053822.